The following is an entry in ClinVar:

NM_001081.4(CUBN):c.704G>C (p.Arg235Pro)

Genes: CUBN (cubilin; minus strand), LOC126860871 (MED14-independent group 3 enhancer GRCh37_chr10:17157167-17158366; plus strand). Cytogenetic location: 10p13.
Variant type: single nucleotide variant.
Coding change: c.704G>C on transcript NM_001081.4 (MANE Select); coding-DNA position 704, G replaced by C.
Protein change: p.Arg235Pro; replaces arginine 235 with proline.
Molecular consequence: missense variant.
Genome position (GRCh38, 1-based): chr10:17,115,487, C>G on the plus strand (G>C on the coding strand, the complement: CUBN is on the minus strand). VCF-style: chr10-17115487-C-G. GRCh37 (hg19) VCF-style: chr10-17157486-C-G.
Other names: short protein forms R235P.
Identifiers: ClinVar variation 579821 (VCV000579821.9), dbSNP rs752992672, ClinGen allele CA5425535.

ClinVar aggregate classification (germline): Uncertain significance (1 of 4 stars; one submission).

Conditions:
Imerslund-Grasbeck syndrome. Also called: Imerslund-Gräsbeck syndrome; ENTEROCYTE COBALAMIN MALABSORPTION; ENTEROCYTE INTRINSIC FACTOR RECEPTOR, DEFECT OF; PERNICIOUS ANEMIA, JUVENILE, DUE TO SELECTIVE INTESTINAL MALABSORPTION OF VITAMIN B12, WITH PROTEINURIA; Megaloblastic anemia due to inborn errors of metabolism. Identifiers: Orphanet 35858, MedGen C4551825, MONDO:0009853.

Allele frequency attached by ClinVar (database versions not stated): ExAC 0.00001; gnomAD 0.00001; TOPMed 0.00003.
gnomAD v4.1: 3 of 1,613,872 alleles (0.00019%); highest among the groups gnomAD compares: African/African-American, 0.004%; no homozygotes.

Submission:

Labcorp Genetics (formerly Invitae), Labcorp
Classification: Uncertain significance for Imerslund-Grasbeck syndrome. Last evaluated: 2018-06-13. Review status: criteria provided, single submitter. Criteria: Invitae Variant Classification Sherloc (09022015). Collection method: clinical testing. Allele origin: germline.
Comment: In summary, the available evidence is currently insufficient to determine the role of this variant in disease. Therefore, it has been classified as a Variant of Uncertain Significance. Algorithms developed to predict the effect of missense changes on protein structure and function are either unavailable or do not agree on the potential impact of this missense change (SIFT: "Tolerated"; PolyPhen-2: "Probably Damaging"; Align-GVGD: "Class C0"). This variant has not been reported in the literature in individuals with CUBN-related disease. The frequency data for this variant in the population databases is considered unreliable, as metrics indicate poor data quality at this position in the ExAC database. This sequence change replaces arginine with proline at codon 235 of the CUBN protein (p.Arg235Pro). The arginine residue is moderately conserved and there is a moderate physicochemical difference between arginine and proline.